The following is an entry in ClinVar:

NM_007294.4(BRCA1):c.5467+15T>A

Gene: BRCA1 (BRCA1 DNA repair associated; minus strand). Cytogenetic location: 17q21.31.
Variant type: single nucleotide variant.
Coding change: c.5467+15T>A on transcript NM_007294.4 (MANE Select); 15 bases into the intron after coding-DNA position 5467, T replaced by A.
Molecular consequence: intron variant.
Genome position (GRCh38, 1-based): chr17:43,047,628, A>T on the plus strand (T>A on the coding strand, the complement: BRCA1 is on the minus strand). VCF-style: chr17-43047628-A-T. GRCh37 (hg19) VCF-style: chr17-41199645-A-T.
Other names: c.2014+15T>A (NM_001408458.1, NM_001408461.1, NM_001408464.1 and 7 more transcripts); c.4576+15T>A (NM_001407967.1); c.5086+15T>A (NM_001407959.1); c.5200+15T>A (NM_001407931.1, NM_001407932.1, NM_001407928.1 and 4 more transcripts); c.5323+15T>A (NM_001407747.1, NM_001407745.1, NM_001407737.1 and 18 more transcripts); c.5083+15T>A (NM_001407962.1, NM_001407960.1); c.1654+15T>A (NM_001408512.1); c.1777+15T>A (NM_001408510.1); and 83 more.
Identifiers: ClinVar variation 864892 (VCV000864892.3), dbSNP rs1231236572, ClinGen allele CA916080746.
Genomic context (GRCh38, chr17:43,047,628, plus strand): 5'-GCACCAGGTAATGAGTGATAAACCAAACCCATGCAAAAGGACCCCATATAGCACAGGTAC[A>T]TGCAGGCACCTTACCATGGAAGCCATTGTCCTCTGTCCAGGCATCTGGCTGCACAACCAC-3'

Conditions:
Breast-ovarian cancer, familial, susceptibility to, 1 (BROVCA1). Also called: BRCA1 Hereditary Breast and Ovarian Cancer; OVARIAN CANCER, SUSCEPTIBILITY TO. Identifiers: Orphanet 145, MedGen C2676676, MONDO:0011450, OMIM 604370. Disease mechanism: loss of function.

Submission:

Brotman Baty Institute, University of Washington
No classification provided (evidence only). Condition: Breast-ovarian cancer, familial 1. Review status: no classification provided. Collection method: in vitro. Allele origin: not applicable. Functional consequence: functionally_normal.
ClinVar note: "not provided" was previously submitted as the classification for the variant. However, the classification appeared to be based only on an observation of functional data so it was converted to no classification on 2025-07-30.